The following is an entry in ClinVar:

ClinVar aggregate classification (germline): Pathogenic (1 of 4 stars; one submission).

Conditions:
Leber congenital amaurosis 4 (LCA4). Identifiers: MedGen C1858386, MONDO:0011458, OMIM 604393.

Submission:

Labcorp Genetics (formerly Invitae), Labcorp
Classification: Pathogenic for Leber congenital amaurosis 4. Last evaluated: 2024-01-11. Review status: criteria provided, single submitter. Criteria: Invitae Variant Classification Sherloc (09022015). Collection method: clinical testing. Allele origin: unknown.
Comment: This variant is a gross deletion of the genomic region encompassing exon(s) 1 of the AIPL1 gene, which includes the initiator codon. This deletion extends beyond the assayed region for this gene and therefore may encompass additional genes. It is expected to result in an absent or disrupted protein product. Loss-of-function variants in AIPL1 are known to be pathogenic (PMID: 10615133, 15249368, 15347646). This variant has not been reported in the literature in individuals affected with AIPL1-related conditions. For these reasons, this variant has been classified as Pathogenic.

Literature cited by the submitters: PubMed 10615133; PubMed 15249368; PubMed 15347646.

NC_000017.10:g.(?_6338309)_(6338424_?)del

Gene: AIPL1 (AIP like 1 HSP90 co-chaperone; minus strand). Cytogenetic location: 17p13.2.
Variant type: Deletion.
Identifiers: ClinVar variation 3243055 (VCV003243055.1).